The following is an entry in ClinVar:

ClinVar aggregate classification (germline): Uncertain significance (1 of 4 stars; one submission).

Conditions:
Alzheimer disease. Also called: Presenile and senile dementia; Alzheimer's disease. Identifiers: Orphanet 1020, MedGen C0002395, MeSH D000544, MONDO:0004975, HP:0002511.

Allele frequency attached by ClinVar (database versions not stated): TOPMed below 0.00001; gnomAD 0.00001.
gnomAD v4.1: 6 of 1,614,058 alleles (0.00037%); highest among the groups gnomAD compares: East Asian, 0.0022%; no homozygotes.

Submission:

Labcorp Genetics (formerly Invitae), Labcorp
Classification: Uncertain significance for Alzheimer disease. Last evaluated: 2022-08-09. Review status: criteria provided, single submitter. Criteria: Invitae Variant Classification Sherloc (09022015). Collection method: clinical testing. Allele origin: germline.
Comment: In summary, the available evidence is currently insufficient to determine the role of this variant in disease. Therefore, it has been classified as a Variant of Uncertain Significance. Algorithms developed to predict the effect of sequence changes on RNA splicing suggest that this variant may create or strengthen a splice site. Algorithms developed to predict the effect of missense changes on protein structure and function are either unavailable or do not agree on the potential impact of this missense change (SIFT: "Tolerated"; PolyPhen-2: "Not Available"; Align-GVGD: "Class C0"). ClinVar contains an entry for this variant (Variation ID: 1364178). This variant has not been reported in the literature in individuals affected with APP-related conditions. This variant is not present in population databases (gnomAD no frequency). This sequence change replaces lysine, which is basic and polar, with arginine, which is basic and polar, at codon 178 of the APP protein (p.Lys178Arg).

NM_000484.4(APP):c.533A>G (p.Lys178Arg)

Gene: APP (amyloid beta precursor protein; minus strand). Cytogenetic location: 21q21.3.
Variant type: single nucleotide variant.
Coding change: c.533A>G on transcript NM_000484.4 (MANE Select); coding-DNA position 533, A replaced by G.
Protein change: p.Lys178Arg; replaces lysine 178 with arginine.
Molecular consequence: missense variant.
Genome position (GRCh38, 1-based): chr21:26,051,129, T>C on the plus strand (A>G on the coding strand, the complement: APP is on the minus strand). VCF-style: chr21-26051129-T-C. GRCh37 (hg19) VCF-style: chr21-27423445-T-C.
Other names: c.518A>G, p.Lys173Arg (NM_001136016.3); c.365A>G, p.Lys122Arg (NM_001136129.3, NM_001136130.3); c.428A>G, p.Lys143Arg (NM_001136131.3); c.533A>G, p.Lys178Arg (NM_001204301.2, NM_001204302.2, NM_001204303.2 and 3 more transcripts); short protein forms K143R, K178R, K173R, K122R.
Identifiers: ClinVar variation 1364178 (VCV001364178.6), dbSNP rs758637653, ClinGen allele CA409862959.